The following is an entry in ClinVar:

ClinVar aggregate classification (germline): Uncertain significance (1 of 4 stars; one submission).

Conditions:
Intellectual disability, autosomal recessive 53 (NEDHSCA). Also called: NEURODEVELOPMENTAL DISORDER WITH OR WITHOUT HYPOTONIA, SEIZURES, AND CEREBELLAR ATROPHY; GLYCOSYLPHOSPHATIDYLINOSITOL BIOSYNTHESIS DEFECT 13; Mental retardation, autosomal recessive 53. Identifiers: Orphanet 488635, MedGen C4310794, MONDO:0014832, OMIM 616917.

Allele frequency attached by ClinVar (database versions not stated): gnomAD exomes below 0.00001 and 0.00001; TOPMed below 0.00001; gnomAD 0.00001.
gnomAD v4.1: 9 of 1,613,754 alleles (0.00056%); highest among the groups gnomAD compares: Non-Finnish European, 0.00076%; no homozygotes.

Submission:

Labcorp Genetics (formerly Invitae), Labcorp
Classification: Uncertain significance for Intellectual disability, autosomal recessive 53. Last evaluated: 2022-07-12. Review status: criteria provided, single submitter. Criteria: Invitae Variant Classification Sherloc (09022015). Collection method: clinical testing. Allele origin: germline.
Comment: This sequence change replaces leucine, which is neutral and non-polar, with valine, which is neutral and non-polar, at codon 335 of the PIGG protein (p.Leu335Val). In summary, the available evidence is currently insufficient to determine the role of this variant in disease. Therefore, it has been classified as a Variant of Uncertain Significance. Algorithms developed to predict the effect of missense changes on protein structure and function (SIFT, PolyPhen-2, Align-GVGD) all suggest that this variant is likely to be tolerated. ClinVar contains an entry for this variant (Variation ID: 857457). This variant has not been reported in the literature in individuals affected with PIGG-related conditions. This variant is not present in population databases (gnomAD no frequency).

NM_001127178.3(PIGG):c.1003C>G (p.Leu335Val)

Gene: PIGG (phosphatidylinositol glycan anchor biosynthesis class G (EMM blood group); plus strand). Cytogenetic location: 4p16.3.
Variant type: single nucleotide variant.
Coding change: c.1003C>G on transcript NM_001127178.3 (MANE Select); coding-DNA position 1003, C replaced by G.
Protein change: p.Leu335Val; replaces leucine 335 with valine.
Molecular consequence: missense variant. On other transcripts: 5 prime UTR variant (4), non-coding transcript variant (10).
Genome position (GRCh38, 1-based): chr4:516,074, C>G. VCF-style: chr4-516074-C-G. GRCh37 (hg19) VCF-style: chr4-509863-C-G.
Other names: c.736C>G, p.Leu246Val (NM_001289051.2, NM_001289053.2, NM_001289057.2 and 2 more transcripts); c.604C>G, p.Leu202Val (NM_001289052.2); c.637C>G, p.Leu213Val (NM_001289055.2); c.-27C>G (NM_001345988.2); c.1003C>G, p.Leu335Val (NM_001345989.2, NM_017733.5); c.-623C>G (NM_001345990.2); c.-485C>G (NM_001345991.2); c.-210C>G (NM_001345994.2); short protein forms L246V, L213V, L335V, L202V.
Identifiers: ClinVar variation 857457 (VCV000857457.10), dbSNP rs1560312731, ClinGen allele CA355901952.